The following is an entry in ClinVar:

NM_001197104.2(KMT2A):c.2569_2570delinsTT (p.Glu857Leu)

Gene: KMT2A (lysine methyltransferase 2A; plus strand). Cytogenetic location: 11q23.3.
Variant type: Indel.
Coding change: c.2569_2570delinsTT on transcript NM_001197104.2 (MANE Select); coding-DNA positions 2569 to 2570, GA replaced by TT.
Protein change: p.Glu857Leu; replaces glutamic acid 857 with leucine.
Molecular consequence: missense variant.
Genome position (GRCh38, 1-based): chr11:118,473,728-118,473,729, GA replaced by TT. VCF-style: chr11-118473728-GA-TT. GRCh37 (hg19) VCF-style: chr11-118344443-GA-TT.
Other names: c.2668_2669delinsTT, p.Glu890Leu (NM_001412597.1); c.2569_2570delinsTT, p.Glu857Leu (NM_005933.4); short protein forms E857L, E890L.
Identifiers: ClinVar variation 4727564 (VCV004727564.1).

ClinVar aggregate classification (germline): Uncertain significance (1 of 4 stars; one submission).

Submission:

Labcorp Genetics (formerly Invitae), Labcorp
Classification: Uncertain significance. Last evaluated: 2025-10-20. Review status: criteria provided, single submitter. Criteria: Invitae Variant Classification Sherloc (09022015). Collection method: clinical testing. Allele origin: germline.
Comment: This sequence change replaces glutamic acid, which is acidic and polar, with leucine, which is neutral and non-polar, at codon 857 of the KMT2A protein (p.Glu857Leu). Information on the frequency of this variant in the gnomAD database is not available, as this variant may be reported differently in the database. This variant has not been reported in the literature in individuals affected with KMT2A-related conditions. An algorithm developed to predict the effect of missense changes on protein structure and function (PolyPhen-2) suggests that this variant is likely to be disruptive. In summary, the available evidence is currently insufficient to determine the role of this variant in disease. Therefore, it has been classified as a Variant of Uncertain Significance.